The following is an entry in ClinVar:

ClinVar aggregate classification (germline): Uncertain significance. Review status: criteria provided, multiple submitters, no conflicts (2 of 4 stars). 2 submissions from 2 submitters: Uncertain significance (2). Last evaluated 2024-08-31.

Conditions:
Predisposition to Wilms tumor.

Allele frequency attached by ClinVar (database versions not stated): gnomAD exomes below 0.00001; ExAC 0.00001; gnomAD 0.00001.
gnomAD v4.1: 3 of 1,613,806 alleles (0.00019%); highest among the groups gnomAD compares: Admixed American, 0.005%; no homozygotes.

Submissions (2):

Labcorp Genetics (formerly Invitae), Labcorp
Classification: Uncertain significance. Last evaluated: 2024-08-31. Review status: criteria provided, single submitter. Criteria: Invitae Variant Classification Sherloc (09022015). Collection method: clinical testing. Allele origin: germline.
Comment: This sequence change replaces alanine, which is neutral and non-polar, with threonine, which is neutral and polar, at codon 370 of the CTR9 protein (p.Ala370Thr). This variant is present in population databases (rs752999844, gnomAD 0.003%). This variant has not been reported in the literature in individuals affected with CTR9-related conditions. An algorithm developed to predict the effect of missense changes on protein structure and function (PolyPhen-2) suggests that this variant is likely to be tolerated. In summary, the available evidence is currently insufficient to determine the role of this variant in disease. Therefore, it has been classified as a Variant of Uncertain Significance.

St. Jude Molecular Pathology, St. Jude Children's Research Hospital
Classification: Uncertain significance for Predisposition to Wilms tumor. Last evaluated: 2024-02-15. Review status: criteria provided, single submitter. Criteria: St. Jude Assertion Criteria 2020. Collection method: clinical testing. Allele origin: germline.
Comment: The CTR9 c.1108G>A (p.Ala370Thr) missense change has a maximum subpopulation frequency of 0.003% in gnomAD v2.1.1. The in silico tool REVEL predicts a benign effect on protein function, but this prediction has not been confirmed by functional studies. This variant has not been reported in individuals with Wilms tumor.?In summary, the evidence currently available is insufficient to determine the clinical significance of this variant. It has therefore been classified as of uncertain significance.

NM_014633.5(CTR9):c.1108G>A (p.Ala370Thr)

Genes: CTR9 (CTR9 component of Paf1/RNA polymerase II complex; plus strand), LOC126861140 (CDK7 strongly-dependent group 2 enhancer GRCh37_chr11:10785333-10786532; plus strand). Cytogenetic location: 11p15.4.
Variant type: single nucleotide variant.
Coding change: c.1108G>A on transcript NM_014633.5 (MANE Select); coding-DNA position 1108, G replaced by A.
Protein change: p.Ala370Thr; replaces alanine 370 with threonine.
Molecular consequence: missense variant.
Genome position (GRCh38, 1-based): chr11:10,763,793, G>A. VCF-style: chr11-10763793-G-A. GRCh37 (hg19) VCF-style: chr11-10785340-G-A.
Other names: c.1108G>A, p.Ala370Thr (NM_001346279.2); short protein forms A370T.
Identifiers: ClinVar variation 3019968 (VCV003019968.4), dbSNP rs752999844, ClinGen allele CA5885018.
Genomic context (GRCh38, chr11:10,763,793, plus strand): 5'-ATGTATATTTATCGAGGTGACAAAGAAAATGCATCTCAGTGCTTTGAGAAGGTTTTGAAA[G>A]CTTATCCTAATAATTACGAAACTATGAAAATTCTCGGCTCTCTCTATGCTGCCTCAGAAG-3'
Protein context (NP_055448.1, residues 360-380): ASQCFEKVLK[Ala370Thr]YPNNYETMKI